The following is an entry in ClinVar:

NM_031407.7(HUWE1):c.473C>T (p.Pro158Leu)

Gene: HUWE1 (HECT, UBA and WWE domain containing E3 ubiquitin protein ligase 1; minus strand). Cytogenetic location: Xp11.22.
Variant type: single nucleotide variant.
Coding change: c.473C>T on transcript NM_031407.7 (MANE Select); coding-DNA position 473, C replaced by T.
Protein change: p.Pro158Leu; replaces proline 158 with leucine.
Molecular consequence: missense variant.
Genome position (GRCh38, 1-based): chrX:53,645,342, G>A on the plus strand (C>T on the coding strand, the complement: HUWE1 is on the minus strand). VCF-style: chrX-53645342-G-A. GRCh37 (hg19) VCF-style: chrX-53672294-G-A.
Other names: short protein forms P158L.
Identifiers: ClinVar variation 1687643 (VCV001687643.9), dbSNP rs2149250400, ClinGen allele CA413163608.
Genomic context (GRCh38, chrX:53,645,342, plus strand): 5'-ACCCCTCCAACTCTTCACCCAAGACTCACCTCTGCCAAATGTTGTAGCCGAGTTAGCAGC[G>A]GGGTCCTCTTGTCAGATCCCAGACGAGTGATGTAGTTTGATCTTTTGCTAAATACATATA-3'
Protein context (NP_113584.3, residues 148-168): ITRLGSDKRT[Pro158Leu]LLTRLQHLAE

ClinVar aggregate classification (germline): Uncertain significance. Review status: criteria provided, multiple submitters, no conflicts (2 of 4 stars). 4 submissions from 4 submitters: Uncertain significance (4). Last evaluated 2025-04-15.

Conditions:
Intellectual developmental disorder, X-linked, syndromic, Turner type. Also called: X-linked intellectual disability, Turner type; Intellectual disability, X-linked syndromic, Turner type. Identifiers: Orphanet 3056, Orphanet 85328, MedGen C2678046, MONDO:0010407, OMIM 309590.

Submissions (4):

Women's Health and Genetics/Laboratory Corporation of America, LabCorp
Classification: Uncertain significance. Last evaluated: 2025-04-15. Review status: criteria provided, single submitter. Criteria: LabCorp Variant Classification Summary - May 2015. Collection method: clinical testing. Allele origin: germline.
Comment: Variant summary: HUWE1 c.473C>T (p.Pro158Leu) results in a non-conservative amino acid change in the encoded protein sequence. Three of four in-silico tools predict a damaging effect of the variant on protein function. The variant allele was found at a frequency of 6.6e-06 in 1205917 control chromosomes in the gnomAD database (v4.1 dataset), including 2 hemizygotes. The available data on variant occurrences in the general population are insufficient to allow any conclusion about variant significance. To our knowledge, no occurrence of c.473C>T in individuals affected with Intellectual Disability, X-Linked Syndromic, Turner Type and no experimental evidence demonstrating its impact on protein function have been reported. ClinVar contains an entry for this variant (Variation ID: 1687643). Based on the evidence outlined above, the variant was classified as uncertain significance.

GeneDx
Classification: Uncertain significance. Last evaluated: 2025-03-25. Review status: criteria provided, single submitter. Criteria: GeneDx Variant Classification Process June 2021. Collection method: clinical testing. Allele origin: germline. Affected: yes.
Comment: Not observed at significant frequency in large population cohorts (gnomAD); In silico analysis indicates that this missense variant does not alter protein structure/function; Has not been previously published as pathogenic or benign to our knowledge

Revvity Omics, Revvity
Classification: Uncertain significance for Intellectual developmental disorder, X-linked, syndromic, Turner type. Last evaluated: 2023-06-23. Review status: criteria provided, single submitter. Criteria: ACMG Guidelines, 2015. Collection method: clinical testing. Allele origin: germline.

Blueprint Genetics
Classification: Uncertain significance. Last evaluated: 2019-01-08. Review status: criteria provided, single submitter. Criteria: ACMG Guidelines, 2015. Collection method: clinical testing. Allele origin: germline.